The following is an entry in ClinVar:

ClinVar aggregate classification (germline): Uncertain significance (1 of 4 stars; one submission).

gnomAD v4.1: 1 of 1,614,168 alleles (0.000062%); highest among the groups gnomAD compares: Admixed American, 0.0017%; no homozygotes.

Submission:

GeneDx
Classification: Uncertain significance. Last evaluated: 2025-06-24. Review status: criteria provided, single submitter. Criteria: GeneDx Variant Classification Process June 2021. Collection method: clinical testing. Allele origin: germline. Affected: yes.
Comment: Not observed at significant frequency in large population cohorts (gnomAD); In silico analysis supports that this missense variant has a deleterious effect on protein structure/function; Has not been previously published as pathogenic or benign to our knowledge; This variant is associated with the following publications: (PMID: 25411445)

NM_016373.4(WWOX):c.701T>G (p.Leu234Arg)

Gene: WWOX (WW domain containing oxidoreductase; plus strand). Cytogenetic location: 16q23.1.
Variant type: single nucleotide variant.
Coding change: c.701T>G on transcript NM_016373.4 (MANE Select); coding-DNA position 701, T replaced by G.
Protein change: p.Leu234Arg; replaces leucine 234 with arginine.
Molecular consequence: missense variant.
Genome position (GRCh38, 1-based): chr16:78,424,965, T>G. VCF-style: chr16-78424965-T-G. GRCh37 (hg19) VCF-style: chr16-78458862-T-G.
Other names: c.362T>G, p.Leu121Arg (NM_001291997.2); short protein forms L121R, L234R.
Identifiers: ClinVar variation 4540234 (VCV004540234.1).